The following is an entry in ClinVar:

NM_020964.3(EPG5):c.7666G>A (p.Asp2556Asn)

Gene: EPG5 (ectopic P-granules 5 autophagy tethering factor; minus strand). Cytogenetic location: 18q12.3.
Variant type: single nucleotide variant.
Coding change: c.7666G>A on transcript NM_020964.3 (MANE Select); coding-DNA position 7666, G replaced by A.
Protein change: p.Asp2556Asn; replaces aspartic acid 2556 with asparagine.
Molecular consequence: missense variant.
Genome position (GRCh38, 1-based): chr18:45,852,541, C>T on the plus strand (G>A on the coding strand, the complement: EPG5 is on the minus strand). VCF-style: chr18-45852541-C-T. GRCh37 (hg19) VCF-style: chr18-43432506-C-T.
Other names: short protein forms D2556N.
Identifiers: ClinVar variation 1466120 (VCV001466120.6), dbSNP rs2145147078, ClinGen allele CA402335254.

ClinVar aggregate classification (germline): Uncertain significance (1 of 4 stars; one submission).

Conditions:
Vici syndrome (VICIS). Identifiers: Orphanet 1493, MedGen C1855772, MONDO:0009452, OMIM 242840.

gnomAD v4.1: 7 of 1,614,180 alleles (0.00043%); no homozygotes.

Submission:

Labcorp Genetics (formerly Invitae), Labcorp
Classification: Uncertain significance for Vici syndrome. Last evaluated: 2021-08-20. Review status: criteria provided, single submitter. Criteria: Invitae Variant Classification Sherloc (09022015). Collection method: clinical testing. Allele origin: germline.
Comment: This sequence change replaces aspartic acid with asparagine at codon 2556 of the EPG5 protein (p.Asp2556Asn). The aspartic acid residue is moderately conserved and there is a small physicochemical difference between aspartic acid and asparagine. This variant is not present in population databases (ExAC no frequency). This variant has not been reported in the literature in individuals affected with EPG5-related conditions. Algorithms developed to predict the effect of missense changes on protein structure and function output the following: SIFT: "Tolerated"; PolyPhen-2: "Benign"; Align-GVGD: "Class C0". The asparagine amino acid residue is found in multiple mammalian species, which suggests that this missense change does not adversely affect protein function. In summary, the available evidence is currently insufficient to determine the role of this variant in disease. Therefore, it has been classified as a Variant of Uncertain Significance.